The following is an entry in ClinVar:

ClinVar aggregate classification (germline): Uncertain significance (1 of 4 stars; one submission).

gnomAD v4.1: 8 of 1,550,314 alleles (0.00052%); highest among the groups gnomAD compares: African/African-American, 0.0014%; no homozygotes.

Submission:

Women's Health and Genetics/Laboratory Corporation of America, LabCorp
Classification: Uncertain significance. Last evaluated: 2026-04-08. Review status: criteria provided, single submitter. Criteria: LabCorp Variant Classification Summary - May 2015. Collection method: clinical testing. Allele origin: germline.
Comment: Variant summary: ZNF469 c.4219G>A (p.Ala1407Thr) results in a non-conservative amino acid change in the encoded protein sequence. Algorithms developed to predict the effect of missense changes on protein structure and function are either unavailable or do not agree on the potential impact of this missense change. The variant was absent in 153042 control chromosomes. The available data on variant occurrences in the general population are insufficient to allow any conclusion about variant significance. To our knowledge, no occurrence of c.4219G>A in individuals affected with ZNF469-related conditions and no experimental evidence demonstrating its impact on protein function have been reported. No submitters have cited clinical-significance assessments for this variant to ClinVar. Based on the evidence outlined above, the variant was classified as uncertain significance.

NM_001367624.2(ZNF469):c.4219G>A (p.Ala1407Thr)

Gene: ZNF469 (zinc finger protein 469; plus strand). Cytogenetic location: 16q24.2.
Variant type: single nucleotide variant.
Coding change: c.4219G>A on transcript NM_001367624.2 (MANE Select); coding-DNA position 4219, G replaced by A.
Protein change: p.Ala1407Thr; replaces alanine 1407 with threonine.
Molecular consequence: missense variant.
Genome position (GRCh38, 1-based): chr16:88,431,689, G>A. VCF-style: chr16-88431689-G-A. GRCh37 (hg19) VCF-style: chr16-88498097-G-A.
Other names: short protein forms A1407T.
Identifiers: ClinVar variation 4848748 (VCV004848748.1).